The following is an entry in ClinVar:

NM_001354640.2(CIROP):c.1281C>T (p.Ser427=)

Gene: CIROP (ciliated left-right organizer metallopeptidase; minus strand). Cytogenetic location: 14q11.2.
Variant type: single nucleotide variant.
Coding change: c.1281C>T on transcript NM_001354640.2 (MANE Select); coding-DNA position 1281, C replaced by T.
Protein change: p.Ser427=; no amino-acid change (serine 427 retained).
Molecular consequence: synonymous variant.
Genome position (GRCh38, 1-based): chr14:23,102,120, G>A on the plus strand (C>T on the coding strand, the complement: CIROP is on the minus strand). VCF-style: chr14-23102120-G-A. GRCh37 (hg19) VCF-style: chr14-23571329-G-A.
Other names: c.1116C>T, p.Ser372= (NM_001402427.1).
Identifiers: ClinVar variation 2644088 (VCV002644088.24), dbSNP rs143902594, ClinGen allele CA7110965.

ClinVar aggregate classification (germline): Likely benign (1 of 4 stars; one submission).

Allele frequency attached by ClinVar (database versions not stated): ExAC 0.00016; 1000 Genomes Project 30x 0.00078; 1000 Genomes Project 0.00120.
gnomAD v4.1: 270 of 702,984 alleles (0.038%); highest among the groups gnomAD compares: African/African-American, 0.38%; 1 homozygote.

Submission:

CeGaT Center for Human Genetics Tuebingen
Classification: Likely benign. Last evaluated: 2023-06-01. Review status: criteria provided, single submitter. Criteria: CeGaT Center For Human Genetics Tuebingen Variant Classification Criteria Version 2. Collection method: clinical testing. Allele origin: germline. Affected: yes. Observed: 1 variant allele.
Comment: CIROP: BP4, BP7